The following is an entry in ClinVar:

NM_003000.3(SDHB):c.735C>T (p.Thr245=)

Gene: SDHB (succinate dehydrogenase complex iron sulfur subunit B; minus strand). Cytogenetic location: 1p36.13.
Variant type: single nucleotide variant.
Coding change: c.735C>T on transcript NM_003000.3 (MANE Select); coding-DNA position 735, C replaced by T.
Protein change: p.Thr245=; no amino-acid change (threonine 245 retained).
Molecular consequence: synonymous variant.
Genome position (GRCh38, 1-based): chr1:17,022,638, G>A on the plus strand (C>T on the coding strand, the complement: SDHB is on the minus strand). VCF-style: chr1-17022638-G-A. GRCh37 (hg19) VCF-style: chr1-17349133-G-A.
Other names: c.681C>T, p.Thr227= (NM_001407361.1).
Identifiers: ClinVar variation 3904436 (VCV003904436.1).

ClinVar aggregate classification (germline): Benign (1 of 4 stars; one submission).

Conditions:
Pheochromocytoma/paraganglioma syndrome 4. Also called: CAROTID BODY TUMORS AND MULTIPLE EXTRAADRENAL PHEOCHROMOCYTOMAS; PARAGANGLIOMA, FAMILIAL MALIGNANT; PARAGANGLIOMAS, HEREDITARY EXTRAADRENAL; PHEOCHROMOCYTOMA, FAMILIAL EXTRAADRENAL; Paragangliomas 4; SDHB-Related Hereditary Paraganglioma-Pheochromocytoma Syndrome (Paragangliomas 4). Identifiers: Orphanet 29072, MedGen C1861848, MONDO:0007273, OMIM 115310.

Submission:

Myriad Genetics, Inc.
Classification: Benign for Pheochromocytoma/paraganglioma syndrome 4. Last evaluated: 2025-03-13. Review status: criteria provided, single submitter. Criteria: Myriad Autosomal Dominant, Autosomal Recessive and X-Linked Classification Criteria (2023). Collection method: clinical testing. Allele origin: unknown.
Comment: This variant is considered benign. This variant is a silent/synonymous amino acid change and it is not expected to impact splicing.